The following is an entry in ClinVar:

ClinVar aggregate classification (germline): Likely benign. Review status: criteria provided, single submitter (1 of 4 stars). 2 submissions from 2 submitters: Likely benign (1). 1 of the submissions does not count toward it. Last evaluated 2023-10-24.

Conditions:
PCNT-related disorder. Also called: PCNT-related condition.

Allele frequency attached by ClinVar (database versions not stated): gnomAD exomes below 0.00001 and 0.00001.
gnomAD v4.1: 18 of 1,610,954 alleles (0.0011%); highest among the groups gnomAD compares: African/African-American, 0.0067%; no homozygotes.

Submissions (2):

Labcorp Genetics (formerly Invitae), Labcorp
Classification: Likely benign. Last evaluated: 2023-10-24. Review status: criteria provided, single submitter. Criteria: Invitae Variant Classification Sherloc (09022015). Collection method: clinical testing. Allele origin: germline.

PreventionGenetics, part of Exact Sciences
Classification: Likely benign for PCNT-related condition. Last evaluated: 2024-05-22. Review status: no assertion criteria provided. Collection method: clinical testing. Allele origin: germline. Not counted in ClinVar's aggregate classification.
Comment: This variant is classified as likely benign based on ACMG/AMP sequence variant interpretation guidelines (Richards et al. 2015 PMID: 25741868, with internal and published modifications).

NM_006031.6(PCNT):c.5376C>T (p.Leu1792=)

Gene: PCNT (pericentrin; plus strand). Cytogenetic location: 21q22.3.
Variant type: single nucleotide variant.
Coding change: c.5376C>T on transcript NM_006031.6 (MANE Select); coding-DNA position 5376, C replaced by T.
Protein change: p.Leu1792=; no amino-acid change (leucine 1792 retained).
Molecular consequence: synonymous variant.
Genome position (GRCh38, 1-based): chr21:46,411,449, C>T. VCF-style: chr21-46411449-C-T. GRCh37 (hg19) VCF-style: chr21-47831363-C-T.
Other names: c.5022C>T, p.Leu1674= (NM_001315529.2); c.5376C>T (NM_006031.5).
Identifiers: ClinVar variation 1535401 (VCV001535401.9), dbSNP rs892137240, ClinGen allele CA321996731.